The following is an entry in ClinVar:

NM_172107.4(KCNQ2):c.714C>G (p.Ile238Met)

Gene: KCNQ2 (potassium voltage-gated channel subfamily Q member 2; minus strand). Cytogenetic location: 20q13.33.
Variant type: single nucleotide variant.
Coding change: c.714C>G on transcript NM_172107.4 (MANE Select); coding-DNA position 714, C replaced by G.
Protein change: p.Ile238Met; replaces isoleucine 238 with methionine.
Molecular consequence: missense variant.
Genome position (GRCh38, 1-based): chr20:63,442,508, G>C on the plus strand (C>G on the coding strand, the complement: KCNQ2 is on the minus strand). VCF-style: chr20-63442508-G-C. GRCh37 (hg19) VCF-style: chr20-62073861-G-C.
Other names: c.714C>G, p.Ile238Met (NM_001382235.1, NM_004518.6, NM_172106.3 and 2 more transcripts); short protein forms I238M.
Identifiers: ClinVar variation 2743802 (VCV002743802.3), dbSNP rs147882199, ClinGen allele CA409654029.

ClinVar aggregate classification (germline): Likely pathogenic (1 of 4 stars; one submission).

Conditions:
Early-infantile DEE. Also called: Early infantile epileptic encephalopathy with suppression bursts; Early infantile epileptic encephalopathy; Ohtahara syndrome. Identifiers: Orphanet 1934, MedGen C0393706, MONDO:0800491.

Submission:

Labcorp Genetics (formerly Invitae), Labcorp
Classification: Likely pathogenic for Early-infantile DEE. Last evaluated: 2025-12-15. Review status: criteria provided, single submitter. Criteria: Invitae Variant Classification Sherloc (09022015). Collection method: clinical testing. Allele origin: germline.
Comment: This sequence change replaces isoleucine, which is neutral and non-polar, with methionine, which is neutral and non-polar, at codon 238 of the KCNQ2 protein (p.Ile238Met). This variant is not present in population databases (gnomAD no frequency). This variant has not been reported in the literature in individuals affected with KCNQ2-related conditions. ClinVar contains an entry for this variant (Variation ID: 2743802). Invitae Evidence Modeling of protein sequence and biophysical properties (such as structural, functional, and spatial information, amino acid conservation, physicochemical variation, residue mobility, and thermodynamic stability) indicates that this missense variant is expected to disrupt KCNQ2 protein function with a positive predictive value of 95%. This variant disrupts the p.Ile238 amino acid residue in KCNQ2. Other variant(s) that disrupt this residue have been determined to be pathogenic (PMID: 37497102). This suggests that this residue is clinically significant, and that variants that disrupt this residue are likely to be disease-causing. In summary, the currently available evidence indicates that the variant is pathogenic, but additional data are needed to prove that conclusively. Therefore, this variant has been classified as Likely Pathogenic.

Literature cited by the submitters: PubMed 37497102.